The following is an entry in ClinVar:

ClinVar aggregate classification (germline): Uncertain significance (1 of 4 stars; one submission).

Allele frequency attached by ClinVar (database versions not stated): TOPMed below 0.00001.
gnomAD v4.1: 9 of 1,614,250 alleles (0.00056%); highest among the groups gnomAD compares: Non-Finnish European, 0.00076%; no homozygotes.

Submission:

Labcorp Genetics (formerly Invitae), Labcorp
Classification: Uncertain significance. Last evaluated: 2022-09-15. Review status: criteria provided, single submitter. Criteria: Invitae Variant Classification Sherloc (09022015). Collection method: clinical testing. Allele origin: germline.
Comment: This sequence change replaces valine, which is neutral and non-polar, with methionine, which is neutral and non-polar, at codon 194 of the MYH9 protein (p.Val194Met). The frequency data for this variant in the population databases is considered unreliable, as metrics indicate poor data quality at this position in the gnomAD database. This variant has not been reported in the literature in individuals affected with MYH9-related conditions. Advanced modeling of protein sequence and biophysical properties (such as structural, functional, and spatial information, amino acid conservation, physicochemical variation, residue mobility, and thermodynamic stability) performed at Invitae indicates that this missense variant is not expected to disrupt MYH9 protein function. In summary, the available evidence is currently insufficient to determine the role of this variant in disease. Therefore, it has been classified as a Variant of Uncertain Significance.

NM_002473.6(MYH9):c.580G>A (p.Val194Met)

Gene: MYH9 (myosin heavy chain 9; minus strand). Cytogenetic location: 22q12.3.
Variant type: single nucleotide variant.
Coding change: c.580G>A on transcript NM_002473.6 (MANE Select); coding-DNA position 580, G replaced by A.
Protein change: p.Val194Met; replaces valine 194 with methionine.
Molecular consequence: missense variant.
Genome position (GRCh38, 1-based): chr22:36,326,600, C>T on the plus strand (G>A on the coding strand, the complement: MYH9 is on the minus strand). VCF-style: chr22-36326600-C-T. GRCh37 (hg19) VCF-style: chr22-36722645-C-T.
Other names: short protein forms V194M.
Identifiers: ClinVar variation 2111428 (VCV002111428.4), dbSNP rs773050248, ClinGen allele CA10210587.
Genomic context (GRCh38, chr22:36,326,600, plus strand): 5'-CCACAGGGACAAGGGCTGCAGCACTCACCTGGTCCTTCTTGCTCTTGTGCGAGGACGCCA[C>T]GTACGCCAGATACTGGATGACCTTCTTGGTGTTCTCCGTCTTGCCAGCTCCAGATTCACC-3'
Protein context (NP_002464.1, residues 184-204): TKKVIQYLAY[Val194Met]ASSHKSKKDQ